The following is an entry in ClinVar:

ClinVar aggregate classification (germline): Conflicting classifications of pathogenicity. Review status: criteria provided, conflicting classifications (1 of 4 stars). 2 submissions from 2 submitters: Uncertain significance (1); Likely benign (1). Last evaluated 2025-12-01.

Conditions:
Emery-Dreifuss muscular dystrophy 5, autosomal dominant (EDMD5). Also called: EMERY-DREIFUSS MUSCULAR DYSTROPHY 5. Identifiers: Orphanet 261, MedGen C2751805, MONDO:0013072, OMIM 612999.

gnomAD v4.1: 28 of 1,613,744 alleles (0.0017%); highest among the groups gnomAD compares: Middle Eastern, 0.033%; no homozygotes.

Submissions (2):

Labcorp Genetics (formerly Invitae), Labcorp
Classification: Uncertain significance for Emery-Dreifuss muscular dystrophy 5, autosomal dominant. Last evaluated: 2025-12-01. Review status: criteria provided, single submitter. Criteria: Invitae Variant Classification Sherloc (09022015). Collection method: clinical testing. Allele origin: germline.
Comment: This sequence change replaces valine, which is neutral and non-polar, with alanine, which is neutral and non-polar, at codon 2066 of the SYNE2 protein (p.Val2066Ala). The frequency data for this variant in the population databases is considered unreliable, as metrics indicate poor data quality at this position in the gnomAD database. This variant has not been reported in the literature in individuals affected with SYNE2-related conditions. ClinVar contains an entry for this variant (Variation ID: 3771393). An algorithm developed to predict the effect of missense changes on protein structure and function outputs the following: PolyPhen-2: "Benign". The alanine amino acid residue is found in multiple mammalian species, which suggests that this missense change does not adversely affect protein function. In summary, the available evidence is currently insufficient to determine the role of this variant in disease. Therefore, it has been classified as a Variant of Uncertain Significance.

CeGaT Center for Human Genetics Tuebingen
Classification: Likely benign. Last evaluated: 2025-01-01. Review status: criteria provided, single submitter. Criteria: CeGaT Center For Human Genetics Tuebingen Variant Classification Criteria Version 2. Collection method: clinical testing. Allele origin: germline. Affected: yes. Observed: 1 variant allele.
Comment: SYNE2: BP4

NM_182914.3(SYNE2):c.6197T>C (p.Val2066Ala)

Gene: SYNE2 (spectrin repeat containing nuclear envelope protein 2; plus strand). Cytogenetic location: 14q23.2.
Variant type: single nucleotide variant.
Coding change: c.6197T>C on transcript NM_182914.3 (MANE Select); coding-DNA position 6197, T replaced by C.
Protein change: p.Val2066Ala; replaces valine 2066 with alanine.
Molecular consequence: missense variant.
Genome position (GRCh38, 1-based): chr14:64,025,366, T>C. VCF-style: chr14-64025366-T-C. GRCh37 (hg19) VCF-style: chr14-64492084-T-C.
Other names: c.6197T>C, p.Val2066Ala (NM_015180.6); short protein forms V2066A.
Identifiers: ClinVar variation 3771393 (VCV003771393.14).